The following is an entry in ClinVar:

NM_024675.4(PALB2):c.1266del (p.Lys422_Val423insTer)

Gene: PALB2 (partner and localizer of BRCA2; minus strand). Cytogenetic location: 16p12.2.
Variant type: Deletion.
Coding change: c.1266del on transcript NM_024675.4 (MANE Select); coding-DNA position 1266, one base deleted (A; older notation c.1266delA).
Protein change: p.Lys422_Val423insTer.
Molecular consequence: frameshift variant.
Genome position (GRCh38, 1-based): chr16:23,635,280, T deleted on the plus strand (A on the coding strand, the reverse complement: PALB2 is on the minus strand); the first of 3 consecutive T bases (chr16:23,635,280-23,635,282); deleting any one gives the same sequence. VCF-style (leftmost placement, unchanged base first): chr16-23635279-CT-C. GRCh37 (hg19) VCF-style: chr16-23646600-CT-C.
Other names: c.1266delA (NM_024675.3).
Identifiers: ClinVar variation 484236 (VCV000484236.21), dbSNP rs1555461366, ClinGen allele CA658658426.

ClinVar aggregate classification (germline): Pathogenic/Likely pathogenic. Review status: criteria provided, multiple submitters, no conflicts (2 of 4 stars). 5 submissions from 5 submitters: Pathogenic (4); Likely pathogenic (1). Last evaluated 2026-02-06.

Conditions:
PALB2-related cancer predisposition. Identifiers: MedGen CN377761, MONDO:0700272.
PALB2-related disorder. Also called: PALB2-related condition; PALB2-related disorders.
Hereditary cancer-predisposing syndrome. Also called: Tumor predisposition; Hereditary Cancer Syndrome; Neoplastic Syndromes, Hereditary; Hereditary neoplastic syndrome. Identifiers: Orphanet 140162, MedGen C0027672, MeSH D009386, MONDO:0015356.
Familial cancer of breast. Also called: Hereditary breast cancer; BREAST CANCER, FAMILIAL; hereditary breast carcinoma. Identifiers: Orphanet 227535, MedGen C0346153, MONDO:0016419, OMIM 114480. Disease mechanism: loss of function.

Submissions (5):

Ambry Genetics
Classification: Pathogenic for Hereditary cancer-predisposing syndrome. Last evaluated: 2026-02-06. Review status: criteria provided, single submitter. Criteria: Ambry Variant Classification Scheme 2023. Collection method: clinical testing. Allele origin: germline.
Comment: The c.1266delA pathogenic mutation, located in coding exon 4 of the PALB2 gene, results from a deletion of one nucleotide at nucleotide position 1266, causing a translational frameshift with a predicted alternate stop codon (p.V423*). This alteration is expected to result in loss of function by premature protein truncation or nonsense-mediated mRNA decay. As such, this alteration is interpreted as a disease-causing mutation.

Institute for Genomic Medicine (IGM) Clinical Laboratory, Nationwide Children's Hospital
Classification: Likely pathogenic for PALB2-related cancer predisposition. Last evaluated: 2024-02-07. Review status: criteria provided, single submitter. Criteria: ACMG Guidelines, 2015. Collection method: clinical testing. Allele origin: germline.
Comment: This variant is predicted to result in loss of function through nonsense-mediated decay of the encoded transcript or premature truncation of the encoded protein in a gene in which loss of function is a known mechanism of disease (ACMG/AMP: PVS1; PMIDs:25099575, 26315354, 29625052, 31206626, 31841383). This variant is absent from or present at an exceedingly low frequency in gnomAD, a large-scale control population database (ACMG/AMP: PM2).

Labcorp Genetics (formerly Invitae), Labcorp
Classification: Pathogenic for Familial cancer of breast. Last evaluated: 2023-11-01. Review status: criteria provided, single submitter. Criteria: Invitae Variant Classification Sherloc (09022015). Collection method: clinical testing. Allele origin: germline.
Comment: This sequence change creates a premature translational stop signal (p.Val423*) in the PALB2 gene. It is expected to result in an absent or disrupted protein product. Loss-of-function variants in PALB2 are known to be pathogenic (PMID: 17200668, 17200671, 17200672, 24136930, 25099575). This variant is not present in population databases (gnomAD no frequency). This variant has not been reported in the literature in individuals affected with PALB2-related conditions. ClinVar contains an entry for this variant (Variation ID: 484236). For these reasons, this variant has been classified as Pathogenic.

Myriad Genetics, Inc.
Classification: Pathogenic for Familial cancer of breast. Last evaluated: 2023-09-08. Review status: criteria provided, single submitter. Criteria: Myriad Autosomal Dominant, Autosomal Recessive and X-Linked Classification Criteria (2023). Collection method: clinical testing. Allele origin: unknown.
Comment: This variant is considered pathogenic. This variant creates a termination codon and is predicted to result in premature protein truncation.

GeneDx
Classification: Pathogenic. Last evaluated: 2022-11-25. Review status: criteria provided, single submitter. Criteria: GeneDx Variant Classification Process June 2021. Collection method: clinical testing. Allele origin: germline. Affected: yes.
Comment: Nonsense variant predicted to result in protein truncation or nonsense mediated decay in a gene for which loss of function is a known mechanism of disease; Not observed at significant frequency in large population cohorts (gnomAD); Has not been previously published as pathogenic or benign to our knowledge

Literature cited by the submitters: PubMed 25099575 (cited by Institute for Genomic Medicine (IGM) Clinical Laboratory, Nationwide Children's Hospital and Labcorp Genetics (formerly Invitae), Labcorp); PubMed 26315354 (cited by Institute for Genomic Medicine (IGM) Clinical Laboratory, Nationwide Children's Hospital); PubMed 29625052 (cited by Institute for Genomic Medicine (IGM) Clinical Laboratory, Nationwide Children's Hospital); PubMed 31206626 (cited by Institute for Genomic Medicine (IGM) Clinical Laboratory, Nationwide Children's Hospital); PubMed 31841383 (cited by Institute for Genomic Medicine (IGM) Clinical Laboratory, Nationwide Children's Hospital); PubMed 17200668 (cited by Labcorp Genetics (formerly Invitae), Labcorp); PubMed 17200671 (cited by Labcorp Genetics (formerly Invitae), Labcorp); PubMed 17200672 (cited by Labcorp Genetics (formerly Invitae), Labcorp); PubMed 24136930 (cited by Labcorp Genetics (formerly Invitae), Labcorp).